The following is an entry in ClinVar:

ClinVar aggregate classification (germline): Uncertain significance (1 of 4 stars; one submission).

gnomAD v4.1: 8 of 1,611,976 alleles (0.0005%); highest among the groups gnomAD compares: Non-Finnish European, 0.00068%; no homozygotes.

Submission:

Labcorp Genetics (formerly Invitae), Labcorp
Classification: Uncertain significance. Last evaluated: 2024-02-19. Review status: criteria provided, single submitter. Criteria: Invitae Variant Classification Sherloc (09022015). Collection method: clinical testing. Allele origin: germline.
Comment: This sequence change falls in intron 76 of the ADGRV1 gene. It does not directly change the encoded amino acid sequence of the ADGRV1 protein. It affects a nucleotide within the consensus splice site. This variant is not present in population databases (gnomAD no frequency). This variant has not been reported in the literature in individuals affected with ADGRV1-related conditions. ClinVar contains an entry for this variant (Variation ID: 937554). Variants that disrupt the consensus splice site are a relatively common cause of aberrant splicing (PMID: 17576681, 9536098). Algorithms developed to predict the effect of sequence changes on RNA splicing suggest that this variant may disrupt the consensus splice site. In summary, the available evidence is currently insufficient to determine the role of this variant in disease. Therefore, it has been classified as a Variant of Uncertain Significance.

Literature cited by the submitters: PubMed 17576681; PubMed 9536098.

NM_032119.4(ADGRV1):c.16368+3A>C

Gene: ADGRV1 (adhesion G protein-coupled receptor V1; plus strand). Cytogenetic location: 5q14.3.
Variant type: single nucleotide variant.
Coding change: c.16368+3A>C on transcript NM_032119.4 (MANE Select); 3 bases into the intron after coding-DNA position 16368, A replaced by C.
Molecular consequence: intron variant.
Genome position (GRCh38, 1-based): chr5:90,823,599, A>C. VCF-style: chr5-90823599-A-C. GRCh37 (hg19) VCF-style: chr5-90119416-A-C.
Identifiers: ClinVar variation 937554 (VCV000937554.7), dbSNP rs1763804952, ClinGen allele CA1139658966.